The following is an entry in ClinVar:

NM_172107.4(KCNQ2):c.1342del (p.Arg448fs)

Gene: KCNQ2 (potassium voltage-gated channel subfamily Q member 2; minus strand). Cytogenetic location: 20q13.33.
Variant type: Deletion.
Coding change: c.1342del on transcript NM_172107.4 (MANE Select); coding-DNA position 1342, one base deleted (C; older notation c.1342delC).
Protein change: p.Arg448fs; shifts the reading frame from arginine 448.
Molecular consequence: frameshift variant.
Genome position (GRCh38, 1-based): chr20:63,415,086, G deleted on the plus strand (C on the coding strand, the reverse complement: KCNQ2 is on the minus strand); the first of 5 consecutive G bases (chr20:63,415,086-63,415,090); deleting any one gives the same sequence. VCF-style (leftmost placement, unchanged base first): chr20-63415085-CG-C. GRCh37 (hg19) VCF-style: chr20-62046438-CG-C.
Other names: c.1288del, p.Arg430fs (NM_001382235.1, NM_172106.3); c.1258del, p.Arg420fs (NM_004518.6); c.1252del, p.Arg418fs (NM_172108.5); short protein forms R418fs, R448fs, R420fs, R430fs.
Identifiers: ClinVar variation 1454524 (VCV001454524.7), dbSNP rs2145557228, ClinGen allele CA2573157183.
Genomic context (GRCh38, chr20:63,415,085, plus strand): 5'-CTGGGTGACCGCCTCACAGTCTGGGCCTGCGGGGACCCCTTCCCCTTGGCAGCCACGCCT[CG>C]GGGGCTGGAGAAGACACGATCTTTCAAACTGACCTTCTGGCTGCTCCCACGGGAACCGAC-3'

ClinVar aggregate classification (germline): Pathogenic (1 of 4 stars; one submission).

Conditions:
Early-infantile DEE. Also called: Early infantile epileptic encephalopathy; Ohtahara syndrome; Early infantile epileptic encephalopathy with suppression bursts. Identifiers: Orphanet 1934, MedGen C0393706, MONDO:0800491.

Submission:

Labcorp Genetics (formerly Invitae), Labcorp
Classification: Pathogenic for Early-infantile DEE. Last evaluated: 2020-12-20. Review status: criteria provided, single submitter. Criteria: Invitae Variant Classification Sherloc (09022015). Collection method: clinical testing. Allele origin: germline.
Comment: For these reasons, this variant has been classified as Pathogenic. This variant has not been reported in the literature in individuals with KCNQ2-related conditions. This variant is not present in population databases (ExAC no frequency). This sequence change creates a premature translational stop signal (p.Arg448Glufs*16) in the KCNQ2 gene. It is expected to result in an absent or disrupted protein product. Loss-of-function variants in KCNQ2 are known to be pathogenic (PMID: 14534157, 23692823, 27779742).

Literature cited by the submitters: PubMed 14534157; PubMed 23692823; PubMed 27779742.